The following continues an entry in ClinVar:

NM_001253852.3(AP4B1):c.1160_1161del (p.Thr387fs)

ClinVar aggregate classification (germline): Pathogenic/Likely pathogenic. Pathogenic (14); Likely pathogenic (1).

Submissions 14 to 21 of 21:

Centre for Mendelian Genomics, University Medical Centre Ljubljana
Classification: Pathogenic for Hereditary spastic paraplegia 47. Last evaluated: 2019-09-04. Review status: criteria provided, single submitter. Criteria: ACMG Guidelines, 2015. Collection method: clinical testing. Allele origin: unknown. Affected: yes.
Comment: This variant was classified as: Pathogenic. The following ACMG criteria were applied in classifying this variant: PVS1,PM2,PM3,PP5. This variant was detected in homozygous state.

Paris Brain Institute, Inserm - ICM
Classification: Pathogenic for Hereditary spastic paraplegia 47. Review status: criteria provided, single submitter. Criteria: ACMG Guidelines, 2015. Collection method: clinical testing. Allele origin: unknown. Affected: yes. Observed: 2 variant alleles.

Yale Center for Mendelian Genomics, Yale University
Classification: Likely pathogenic for Spastic paraplegia. Last evaluated: 2020-10-01. Review status: no assertion criteria provided. Collection method: literature only. Allele origin: germline. Affected: yes. Observed: 1 compound heterozygote, 3 homozygotes. Study: Yale Center for Mendelian Genomics. Not counted in ClinVar's aggregate classification.

Centre de Biologie Pathologie Génétique, Centre Hospitalier Universitaire de Lille
Classification: Likely benign for Intellectual disability. Last evaluated: 2019-01-01. Review status: no assertion criteria provided. Collection method: clinical testing. Allele origin: inherited. Affected: yes. Not counted in ClinVar's aggregate classification.

OMIM
Classification: Pathogenic for SPASTIC PARAPLEGIA 47, AUTOSOMAL RECESSIVE. Last evaluated: 2014-04-30. Review status: no assertion criteria provided. Collection method: literature only. Allele origin: germline. Not counted in ClinVar's aggregate classification.

Institute of Human Genetics, University Medical Center Hamburg-Eppendorf
Classification: Pathogenic for spastic paraplegia 47, autosomal recessive; SPG47. Last evaluated: 2012-01-01. Review status: no assertion criteria provided. Collection method: research. Allele origin: germline. Inheritance: Autosomal recessive inheritance. Affected: yes and no. Observed: 4 variant alleles, 2 heterozygotes, 2 homozygotes. Clinical features observed: severe ID, absent speech, microcephaly, growth retardation, progressive spastic tetraplegia, absence of severe ID, absence of absent speech, absence of microcephaly, absence of growth retardation, absence of progressive spastic tetraplegia. Not counted in ClinVar's aggregate classification.
Comment: In two siblings who presented with severe ID, absent speech, microcephaly, growth retardation, and progressive spastic tetraplegia we detected the novel homozygous 2 bp deletion c.1159_1160delCA in AP4B1; the mutation was present in the heterozygous state in both parents. The AP4B1-associated phenotype has previously been assigned to spastic paraplegia-47 (SPG47).

Clinical Genetics DNA and cytogenetics Diagnostics Lab, Erasmus MC, Erasmus Medical Center
Classification: Pathogenic. Review status: no assertion criteria provided. Collection method: clinical testing. Allele origin: germline. Affected: yes. Study: VKGL Data-share Consensus. Not counted in ClinVar's aggregate classification.

Joint Genome Diagnostic Labs from Nijmegen and Maastricht, Radboudumc and MUMC+
Classification: Pathogenic. Review status: no assertion criteria provided. Collection method: clinical testing. Allele origin: germline. Affected: yes. Study: VKGL Data-share Consensus. Not counted in ClinVar's aggregate classification.

Literature cited by the submitters: PubMed 22290197 (cited by Labcorp Genetics (formerly Invitae), Labcorp and Institute of Human Genetics, University Medical Center Hamburg-Eppendorf); PubMed 24700674 (cited by Labcorp Genetics (formerly Invitae), Labcorp); PubMed 24781758 (cited by 4 submitters); PubMed 29193663 (cited by Ambry Genetics and Victorian Clinical Genetics Services, Murdoch Childrens Research Institute); PubMed 32166732 (cited by Ambry Genetics); PubMed 32895917 (cited by Ambry Genetics); PubMed 32964447 (cited by Ambry Genetics); PubMed 34983064 (cited by Ambry Genetics); PubMed 32979048 (cited by Yale Center for Mendelian Genomics, Yale University); PubMed 21620353 (cited by Institute of Human Genetics, University Medical Center Hamburg-Eppendorf); PubMed 21440262 (cited by Institute of Human Genetics, University Medical Center Hamburg-Eppendorf).